The following is an entry in ClinVar:

ClinVar aggregate classification (germline): Uncertain significance (1 of 4 stars; one submission).

Conditions:
CACNA1A-related disorder. Also called: CACNA1A-related condition.

Submission:

PreventionGenetics, part of Exact Sciences
Classification: Uncertain significance for CACNA1A-related condition. Last evaluated: 2025-12-22. Review status: criteria provided, single submitter. Criteria: ACMG Guidelines, 2015. Collection method: clinical testing. Allele origin: germline.
Comment: The CACNA1A c.3202A>G variant is predicted to result in the amino acid substitution p.Met1068Val. To our knowledge, this variant has not been reported in the literature or in a large population database (gnomAD), indicating this variant is rare. At this time, the clinical significance of this variant is uncertain due to the absence of conclusive functional and genetic evidence.

NM_001127222.2(CACNA1A):c.3202A>G (p.Met1068Val)

Gene: CACNA1A (calcium voltage-gated channel subunit alpha1 A; minus strand). Cytogenetic location: 19p13.13.
Variant type: single nucleotide variant.
Coding change: c.3202A>G on transcript NM_001127222.2 (MANE Select); coding-DNA position 3202, A replaced by G.
Protein change: p.Met1068Val; replaces methionine 1068 with valine.
Molecular consequence: missense variant.
Genome position (GRCh38, 1-based): chr19:13,286,854, T>C on the plus strand (A>G on the coding strand, the complement: CACNA1A is on the minus strand). VCF-style: chr19-13286854-T-C. GRCh37 (hg19) VCF-style: chr19-13397668-T-C.
Other names: c.3214A>G, p.Met1072Val (NM_000068.4, NM_023035.3); c.3205A>G, p.Met1069Val (NM_001127221.2, NM_001174080.2); short protein forms M1069V, M1068V, M1072V.
Identifiers: ClinVar variation 4995010 (VCV004995010.1).